The following is an entry in ClinVar:

ClinVar aggregate classification (germline): Uncertain significance (1 of 4 stars; one submission).

Conditions:
Familial hypobetalipoproteinemia 1. Also called: Hypobetalipoproteinemia, normotriglyceridemic; Acanthocytosis with hypobetalipoproteinemia; APOB-Related Familial Hypobetalipoproteinemia. Identifiers: MedGen C4551990, MONDO:0014252, OMIM 615558.
Hypercholesterolemia, autosomal dominant, type B (FHCL2). Also called: APOB-Related Familial Hypercholesterolemia, Autosomal Dominant; Familial Hypercholesterolemia Type B; APOLIPOPROTEIN B-100, FAMILIAL DEFECTIVE; APOLIPOPROTEIN B-100, FAMILIAL LIGAND-DEFECTIVE; HYPERCHOLESTEROLEMIA, FAMILIAL, DUE TO LIGAND-DEFECTIVE APOLIPOPROTEIN B; Familial hypercholesterolemia 2. Identifiers: MedGen C1704417, MONDO:0007751, OMIM 144010.

Submission:

Labcorp Genetics (formerly Invitae), Labcorp
Classification: Uncertain significance for Familial hypobetalipoproteinemia 1; Hypercholesterolemia, autosomal dominant, type B. Last evaluated: 2024-04-09. Review status: criteria provided, single submitter. Criteria: Invitae Variant Classification Sherloc (09022015). Collection method: clinical testing. Allele origin: germline.
Comment: This sequence change replaces glutamic acid, which is acidic and polar, with alanine, which is neutral and non-polar, at codon 206 of the APOB protein (p.Glu206Ala). This variant is not present in population databases (gnomAD no frequency). This variant has not been reported in the literature in individuals affected with APOB-related conditions. Advanced modeling of protein sequence and biophysical properties (such as structural, functional, and spatial information, amino acid conservation, physicochemical variation, residue mobility, and thermodynamic stability) performed at Invitae indicates that this missense variant is not expected to disrupt APOB protein function with a negative predictive value of 95%. In summary, the available evidence is currently insufficient to determine the role of this variant in disease. Therefore, it has been classified as a Variant of Uncertain Significance.

NM_000384.3(APOB):c.617A>C (p.Glu206Ala)

Gene: APOB (apolipoprotein B; minus strand). Cytogenetic location: 2p24.1.
Variant type: single nucleotide variant.
Coding change: c.617A>C on transcript NM_000384.3 (MANE Select); coding-DNA position 617, A replaced by C.
Protein change: p.Glu206Ala; replaces glutamic acid 206 with alanine.
Molecular consequence: missense variant.
Genome position (GRCh38, 1-based): chr2:21,037,176, T>G on the plus strand (A>C on the coding strand, the complement: APOB is on the minus strand). VCF-style: chr2-21037176-T-G. GRCh37 (hg19) VCF-style: chr2-21260048-T-G.
Other names: short protein forms E206A.
Identifiers: ClinVar variation 3762493 (VCV003762493.2).